The following is an entry in ClinVar:

ClinVar aggregate classification (germline): Uncertain significance (1 of 4 stars; one submission).

Conditions:
Gnathodiaphyseal dysplasia (GDD). Also called: GNATHODIAPHYSEAL SCLEROSIS; OSTEOGENESIS IMPERFECTA WITH UNUSUAL SKELETAL LESIONS. Identifiers: Orphanet 53697, MedGen C1833736, MONDO:0008151, OMIM 166260.
Autosomal recessive limb-girdle muscular dystrophy type 2L (LGMDR12). Also called: Limb-girdle muscular dystrophy, type 2L; MUSCULAR DYSTROPHY, LIMB-GIRDLE, AUTOSOMAL RECESSIVE 12; Limb-Girdle Muscular Dystrophy R12 Anoctamin-5-Related (LGMD-R12). Identifiers: Orphanet 206549, MedGen C1969785, MONDO:0012652, OMIM 611307.

Allele frequency attached by ClinVar (database versions not stated): TOPMed below 0.00001.
gnomAD v4.1: 1 of 1,612,182 alleles (0.000062%); no homozygotes.

Submission:

Labcorp Genetics (formerly Invitae), Labcorp
Classification: Uncertain significance for Autosomal recessive limb-girdle muscular dystrophy type 2L; Gnathodiaphyseal dysplasia. Last evaluated: 2020-11-11. Review status: criteria provided, single submitter. Criteria: Invitae Variant Classification Sherloc (09022015). Collection method: clinical testing. Allele origin: germline.
Comment: In summary, the available evidence is currently insufficient to determine the role of this variant in disease. Therefore, it has been classified as a Variant of Uncertain Significance. Advanced modeling of protein sequence and biophysical properties (such as structural, functional, and spatial information, amino acid conservation, physicochemical variation, residue mobility, and thermodynamic stability) performed at Invitae indicates that this missense variant is not expected to disrupt ANO5 protein function. This variant has not been reported in the literature in individuals with ANO5-related conditions. This variant is not present in population databases (ExAC no frequency). This sequence change replaces glutamic acid with aspartic acid at codon 36 of the ANO5 protein (p.Glu36Asp). The glutamic acid residue is weakly conserved and there is a small physicochemical difference between glutamic acid and aspartic acid.

NM_213599.3(ANO5):c.108G>C (p.Glu36Asp)

Gene: ANO5 (anoctamin 5; plus strand). Cytogenetic location: 11p14.3.
Variant type: single nucleotide variant.
Coding change: c.108G>C on transcript NM_213599.3 (MANE Select); coding-DNA position 108, G replaced by C.
Protein change: p.Glu36Asp; replaces glutamic acid 36 with aspartic acid.
Molecular consequence: missense variant.
Genome position (GRCh38, 1-based): chr11:22,211,284, G>C. VCF-style: chr11-22211284-G-C. GRCh37 (hg19) VCF-style: chr11-22232830-G-C.
Other names: c.105G>C, p.Glu35Asp (NM_001142649.2); short protein forms E35D, E36D.
Identifiers: ClinVar variation 1469277 (VCV001469277.8), dbSNP rs1417289245, ClinGen allele CA379923640.
Genomic context (GRCh38, chr11:22,211,284, plus strand): 5'-CTATTAATAATAGCATTATATCTTCCCCTGGTACTGTTAGCAGAGCCTGAGCAGCAGAGA[G>C]ACCAGCTTTCTCATCAATGAAGAAACAATGGTAAGCAGCGACCAGTACTATCCTTTCTTG-3'
Protein context (NP_998764.1, residues 26-46): QMSEQSLSSR[Glu36Asp]TSFLINEETM